The following is an entry in ClinVar:

ClinVar aggregate classification (germline): Conflicting classifications of pathogenicity. Review status: criteria provided, conflicting classifications (1 of 4 stars). 3 submissions from 3 submitters: Uncertain significance (2); Likely benign (1). Last evaluated 2026-01-01.

Allele frequency attached by ClinVar (database versions not stated): gnomAD exomes 0.00001.
gnomAD v4.1: 18 of 1,577,824 alleles (0.0011%); highest among the groups gnomAD compares: Middle Eastern, 0.017%; 1 homozygote.

Submissions (3):

CeGaT Center for Human Genetics Tuebingen
Classification: Likely benign. Last evaluated: 2026-01-01. Review status: criteria provided, single submitter. Criteria: CeGaT Center For Human Genetics Tuebingen Variant Classification Criteria Version 2. Collection method: clinical testing. Allele origin: germline. Affected: yes. Observed: 1 variant allele.
Comment: OTOGL: BP4

GeneDx
Classification: Uncertain significance. Last evaluated: 2022-07-19. Review status: criteria provided, single submitter. Criteria: GeneDx Variant Classification Process June 2021. Collection method: clinical testing. Allele origin: germline. Affected: yes.
Comment: In silico analysis supports that this missense variant does not alter protein structure/function; Has not been previously published as pathogenic or benign to our knowledge

Labcorp Genetics (formerly Invitae), Labcorp
Classification: Uncertain significance. Last evaluated: 2022-05-30. Review status: criteria provided, single submitter. Criteria: Invitae Variant Classification Sherloc (09022015). Collection method: clinical testing. Allele origin: germline.
Comment: This sequence change replaces arginine, which is basic and polar, with glutamine, which is neutral and polar, at codon 1663 of the OTOGL protein (p.Arg1663Gln). This variant is present in population databases (rs765255520, gnomAD 0.01%), including at least one homozygous and/or hemizygous individual. This variant has not been reported in the literature in individuals affected with OTOGL-related conditions. Algorithms developed to predict the effect of missense changes on protein structure and function output the following: SIFT: "Tolerated"; PolyPhen-2: "Benign"; Align-GVGD: "Class C0". The glutamine amino acid residue is found in multiple mammalian species, which suggests that this missense change does not adversely affect protein function. In summary, the available evidence is currently insufficient to determine the role of this variant in disease. Therefore, it has been classified as a Variant of Uncertain Significance.

NM_001378609.3(OTOGL):c.5015G>A (p.Arg1672Gln)

Gene: OTOGL (otogelin like; plus strand). Cytogenetic location: 12q21.31.
Variant type: single nucleotide variant.
Coding change: c.5015G>A on transcript NM_001378609.3 (MANE Select); coding-DNA position 5015, G replaced by A.
Protein change: p.Arg1672Gln; replaces arginine 1672 with glutamine.
Molecular consequence: missense variant.
Genome position (GRCh38, 1-based): chr12:80,339,229, G>A. VCF-style: chr12-80339229-G-A. GRCh37 (hg19) VCF-style: chr12-80733009-G-A.
Other names: c.4880G>A, p.Arg1627Gln (NM_001368062.3); c.5015G>A, p.Arg1672Gln (NM_001378610.3, NM_173591.7); short protein forms R1627Q, R1672Q.
Identifiers: ClinVar variation 1901991 (VCV001901991.6), dbSNP rs765255520, ClinGen allele CA6701570.
Genomic context (GRCh38, chr12:80,339,229, plus strand): 5'-CTGGACTAATCATAAAGTGGTCTCATCTTACAGGAATCATAGACATTCATTTTGGCTTCC[G>A]ATTTAACTTGTCATCCTACACAGAAGGACTCTGTGGTGAGCGCTGCCCTTCAAATCTTGA-3'
Protein context (NP_001365538.2, residues 1662-1682): TGIIDIHFGF[Arg1672Gln]FNLSSYTEGL